The following is an entry in ClinVar:

ClinVar aggregate classification (germline): Uncertain significance (1 of 4 stars; one submission).

Submission:

Labcorp Genetics (formerly Invitae), Labcorp
Classification: Uncertain significance. Last evaluated: 2023-04-24. Review status: criteria provided, single submitter. Criteria: Invitae Variant Classification Sherloc (09022015). Collection method: clinical testing. Allele origin: germline.
Comment: This sequence change replaces proline, which is neutral and non-polar, with serine, which is neutral and polar, at codon 478 of the IL12RB2 protein (p.Pro478Ser). This variant is not present in population databases (gnomAD no frequency). This variant has not been reported in the literature in individuals affected with IL12RB2-related conditions. ClinVar contains an entry for this variant (Variation ID: 1718568). Algorithms developed to predict the effect of missense changes on protein structure and function output the following: SIFT: "Not Available"; PolyPhen-2: "Benign"; Align-GVGD: "Not Available". The serine amino acid residue is found in multiple mammalian species, which suggests that this missense change does not adversely affect protein function. In summary, the available evidence is currently insufficient to determine the role of this variant in disease. Therefore, it has been classified as a Variant of Uncertain Significance.

NM_001374259.2(IL12RB2):c.1432C>T (p.Pro478Ser)

Gene: IL12RB2 (interleukin 12 receptor subunit beta 2; plus strand). Cytogenetic location: 1p31.3.
Variant type: single nucleotide variant.
Coding change: c.1432C>T on transcript NM_001374259.2 (MANE Select); coding-DNA position 1432, C replaced by T.
Protein change: p.Pro478Ser; replaces proline 478 with serine.
Molecular consequence: missense variant. On other transcripts: non-coding transcript variant (2).
Genome position (GRCh38, 1-based): chr1:67,367,998, C>T. VCF-style: chr1-67367998-C-T. GRCh37 (hg19) VCF-style: chr1-67833681-C-T.
Other names: c.1432C>T, p.Pro478Ser (NM_001258214.1, NM_001258215.1, NM_001258216.1 and 2 more transcripts); short protein forms P478S.
Identifiers: ClinVar variation 1718568 (VCV001718568.5), dbSNP rs1448168235, ClinGen allele CA340738290.